The following is an entry in ClinVar:

NM_021648.5(TSPYL4):c.1174C>T (p.Arg392Cys)

Gene: TSPYL4 (TSPY like 4; minus strand). Cytogenetic location: 6q22.1.
Variant type: single nucleotide variant.
Coding change: c.1174C>T on transcript NM_021648.5 (MANE Select); coding-DNA position 1174, C replaced by T.
Protein change: p.Arg392Cys; replaces arginine 392 with cysteine.
Molecular consequence: missense variant.
Genome position (GRCh38, 1-based): chr6:116,252,835, G>A on the plus strand (C>T on the coding strand, the complement: TSPYL4 is on the minus strand). VCF-style: chr6-116252835-G-A. GRCh37 (hg19) VCF-style: chr6-116573998-G-A.
Other names: short protein forms R392C.
Identifiers: ClinVar variation 4866156 (VCV004866156.1).

ClinVar aggregate classification (germline): Uncertain significance (1 of 4 stars; one submission).

Submission:

Ambry Genetics
Classification: Uncertain significance. Last evaluated: 2026-05-26. Review status: criteria provided, single submitter. Criteria: Ambry Variant Classification Scheme 2023. Collection method: clinical testing. Allele origin: germline.
Comment: The c.1174C>T (p.R392C) alteration is located in exon 1 (coding exon 1) of the TSPYL4 gene. This alteration results from a C to T substitution at nucleotide position 1174, causing the arginine (R) at amino acid position 392 to be replaced by a cysteine (C). Based on data from gnomAD, the T allele has an overall frequency of 0.002% (4/254118) total alleles studied. The highest observed frequency was 0.014% (3/22006) of African alleles. Based on insufficient or conflicting evidence, the clinical significance of this alteration remains unclear.